The following is an entry in ClinVar:

NM_001371928.1(AHDC1):c.2000G>A (p.Arg667Gln)

Gene: AHDC1 (AT-hook DNA binding motif containing 1; minus strand). Cytogenetic location: 1p36.11.
Variant type: single nucleotide variant.
Coding change: c.2000G>A on transcript NM_001371928.1 (MANE Select); coding-DNA position 2000, G replaced by A.
Protein change: p.Arg667Gln; replaces arginine 667 with glutamine.
Molecular consequence: missense variant.
Genome position (GRCh38, 1-based): chr1:27,550,116, C>T on the plus strand (G>A on the coding strand, the complement: AHDC1 is on the minus strand). VCF-style: chr1-27550116-C-T. GRCh37 (hg19) VCF-style: chr1-27876627-C-T.
Other names: c.2000G>A, p.Arg667Gln (NM_001029882.3); short protein forms R667Q.
Identifiers: ClinVar variation 1505721 (VCV001505721.6), dbSNP rs750971022, ClinGen allele CA715850.
Genomic context (GRCh38, chr1:27,550,116, plus strand): 5'-GCTGACTTGGCCGCATGGCCCCCACCCCGGCCACCAAAACCGCCTGCTTTGCCCCCACGC[C>T]GCCGGAAGCCCTGCACACGATGCAGGAAGTGGGAGATGCTCTGGGTGTCGGGGGCCTGGT-3'
Protein context (NP_001358857.1, residues 657-677): HFLHRVQGFR[Arg667Gln]RGGKAGGFGG

ClinVar aggregate classification (germline): Uncertain significance (1 of 4 stars; one submission).

Allele frequency attached by ClinVar (database versions not stated): gnomAD exomes below 0.00001 and 0.00001; gnomAD 0.00001; TOPMed 0.00001; ExAC 0.00002.
gnomAD v4.1: 8 of 1,610,134 alleles (0.0005%); highest among the groups gnomAD compares: East Asian, 0.0022%; no homozygotes.

Submission:

Labcorp Genetics (formerly Invitae), Labcorp
Classification: Uncertain significance. Last evaluated: 2022-10-13. Review status: criteria provided, single submitter. Criteria: Invitae Variant Classification Sherloc (09022015). Collection method: clinical testing. Allele origin: germline.
Comment: In summary, the available evidence is currently insufficient to determine the role of this variant in disease. Therefore, it has been classified as a Variant of Uncertain Significance. This sequence change replaces arginine, which is basic and polar, with glutamine, which is neutral and polar, at codon 667 of the AHDC1 protein (p.Arg667Gln). This variant is present in population databases (rs750971022, gnomAD 0.005%). This variant has not been reported in the literature in individuals affected with AHDC1-related conditions. ClinVar contains an entry for this variant (Variation ID: 1505721). Algorithms developed to predict the effect of missense changes on protein structure and function are either unavailable or do not agree on the potential impact of this missense change (SIFT: "Deleterious"; PolyPhen-2: "Benign"; Align-GVGD: "Class C0").